The following is an entry in ClinVar:

ClinVar aggregate classification (germline): Benign/Likely benign. Review status: criteria provided, multiple submitters, no conflicts (2 of 4 stars). 12 submissions from 12 submitters: Benign (9); Likely benign (1). 2 of the submissions do not count toward it. Last evaluated 2026-02-04.

Conditions:
Primary ciliary dyskinesia 13. Also called: CILIARY DYSKINESIA, PRIMARY, 13, WITH OR WITHOUT SITUS INVERSUS. Identifiers: Orphanet 244, MedGen C2750790, MONDO:0013174, OMIM 613193.
Primary ciliary dyskinesia. Also called: Ciliary dyskinesia. Identifiers: Orphanet 244, MedGen C0008780, MONDO:0016575, HP:0012265.

Allele frequency attached by ClinVar (database versions not stated): ESP Exome Variant Server 0.37875; ExAC 0.40003; gnomAD exomes 0.40219 and 0.44540; 1000 Genomes Project 30x 0.31574; 1000 Genomes Project 0.32109; TOPMed 0.36897; gnomAD 0.37678 and 0.37821.

Submissions (12):

Labcorp Genetics (formerly Invitae), Labcorp
Classification: Benign for Primary ciliary dyskinesia. Last evaluated: 2026-02-04. Review status: criteria provided, single submitter. Criteria: Invitae Variant Classification Sherloc (09022015). Collection method: clinical testing. Allele origin: germline.

Blueprint Genetics
Classification: Likely benign. Last evaluated: 2024-11-27. Review status: criteria provided, single submitter. Criteria: ACMG Guidelines, 2015. Collection method: clinical testing. Allele origin: germline.

Mayo Clinic Laboratories, Mayo Clinic
Classification: Benign. Last evaluated: 2022-04-26. Review status: criteria provided, single submitter. Criteria: ACMG Guidelines, 2015. Collection method: clinical testing. Allele origin: germline. Observed: 144 variant alleles.

Genome-Nilou Lab
Classification: Benign for Primary ciliary dyskinesia 13. Last evaluated: 2021-07-30. Review status: criteria provided, single submitter. Criteria: ACMG Guidelines, 2015. Collection method: clinical testing. Allele origin: germline. Affected: no.

GeneDx
Classification: Benign. Last evaluated: 2018-12-19. Review status: criteria provided, single submitter. Criteria: GeneDx Variant Classification Process June 2021. Collection method: clinical testing. Allele origin: germline. Affected: yes.

Illumina Laboratory Services, Illumina
Classification: Benign for Primary ciliary dyskinesia 13. Last evaluated: 2018-01-13. Review status: criteria provided, single submitter. Criteria: ICSL Variant Classification Criteria 13 December 2019. Collection method: clinical testing. Allele origin: germline.
Comment: This variant was observed in the ICSL laboratory as part of a predisposition screen in an ostensibly healthy population. It had not been previously curated by ICSL or reported in the Human Gene Mutation Database (HGMD: prior to June 1st, 2018), and was therefore a candidate for classification through an automated scoring system. Utilizing variant allele frequency, disease prevalence and penetrance estimates, and inheritance mode, an automated score was calculated to assess if this variant is too frequent to cause the disease. Based on the score and internal cut-off values, a variant classified as benign is not then subjected to further curation. The score for this variant resulted in a classification of benign for this disease.

Laboratory for Molecular Medicine, Mass General Brigham Personalized Medicine
Classification: Benign. Last evaluated: 2015-05-05. Review status: criteria provided, single submitter. Criteria: LMM Criteria. Collection method: clinical testing. Allele origin: germline. Observed: 42 variant alleles.
Comment: p.Lys393Arg in exon 8 of DNAAF1: This variant is not expected to have clinical s ignificance it has been identified in 45% (30157/66644) of European chromosomes by the Exome Aggregation Consortium (ExAC; dbSNP rs17856705).

Ambry Genetics
Classification: Benign for Primary ciliary dyskinesia. Last evaluated: 2014-12-10. Review status: criteria provided, single submitter. Criteria: Ambry Variant Classification Scheme 2023. Collection method: clinical testing. Allele origin: germline.

Breakthrough Genomics
Classification: Benign. Review status: criteria provided, single submitter. Criteria: ACMG Guidelines, 2015. Collection method: not provided. Allele origin: germline. Inheritance: Autosomal recessive inheritance. Affected: yes.

PreventionGenetics, part of Exact Sciences
Classification: Benign. Review status: criteria provided, single submitter. Criteria: ACMG Guidelines, 2015. Collection method: clinical testing. Allele origin: germline.

Clinical Genetics DNA and cytogenetics Diagnostics Lab, Erasmus MC, Erasmus Medical Center
Classification: Benign. Review status: no assertion criteria provided. Collection method: clinical testing. Allele origin: germline. Affected: yes. Study: VKGL Data-share Consensus. Not counted in ClinVar's aggregate classification.

Joint Genome Diagnostic Labs from Nijmegen and Maastricht, Radboudumc and MUMC+
Classification: Benign. Review status: no assertion criteria provided. Collection method: clinical testing. Allele origin: germline. Affected: yes. Study: VKGL Data-share Consensus. Not counted in ClinVar's aggregate classification.

NM_178452.6(DNAAF1):c.1178A>G (p.Lys393Arg)

Gene: DNAAF1 (dynein axonemal assembly factor 1; plus strand). Cytogenetic location: 16q24.1.
Variant type: single nucleotide variant.
Coding change: c.1178A>G on transcript NM_178452.6 (MANE Select); coding-DNA position 1178, A replaced by G.
Protein change: p.Lys393Arg; replaces lysine 393 with arginine.
Molecular consequence: missense variant.
Genome position (GRCh38, 1-based): chr16:84,170,006, A>G. VCF-style: chr16-84170006-A-G. GRCh37 (hg19) VCF-style: chr16-84203612-A-G.
Other names: c.470A>G, p.Lys157Arg (NM_001318756.1); short protein forms K393R, K157R.
Identifiers: ClinVar variation 226572 (VCV000226572.31), dbSNP rs17856705, ClinGen allele CA8202782.
Genomic context (GRCh38, chr16:84,170,006, plus strand): 5'-AGAAGATGGAGCTATTTGTTAAGGAAAGCTTTGAGGCCAAGGACGAGCTCTGCCCGGAAA[A>G]GCCAAGTGGAGAGGAGCCGCCTGTGGAGGCTAAAAGAGAGGATGGAGGTCCAGAGCCAGA-3'
Protein context (NP_848547.4, residues 383-403): FEAKDELCPE[Lys393Arg]PSGEEPPVEA